The following is an entry in ClinVar:

ClinVar aggregate classification (germline): Uncertain significance (1 of 4 stars; one submission).

Conditions:
Deficiency of aromatic-L-amino-acid decarboxylase. Also called: Aromatic L-Amino Acid Decarboxylase Deficiency; AADC DEFICIENCY; DDC DEFICIENCY; DOPA DECARBOXYLASE DEFICIENCY; Aromatic amino acid decarboxylase deficiency. Identifiers: Orphanet 35708, MedGen C1291564, MONDO:0012084, OMIM 608643.

Allele frequency attached by ClinVar (database versions not stated): gnomAD exomes below 0.00001; ExAC 0.00001; TOPMed 0.00001.
gnomAD v4.1: 1 of 1,614,170 alleles (0.000062%); highest among the groups gnomAD compares: African/African-American, 0.0013%; no homozygotes.

Submission:

Labcorp Genetics (formerly Invitae), Labcorp
Classification: Uncertain significance for Deficiency of aromatic-L-amino-acid decarboxylase. Last evaluated: 2021-05-14. Review status: criteria provided, single submitter. Criteria: Invitae Variant Classification Sherloc (09022015). Collection method: clinical testing. Allele origin: germline.
Comment: In summary, the available evidence is currently insufficient to determine the role of this variant in disease. Therefore, it has been classified as a Variant of Uncertain Significance. Algorithms developed to predict the effect of missense changes on protein structure and function (SIFT, PolyPhen-2, Align-GVGD) all suggest that this variant is likely to be disruptive, but these predictions have not been confirmed by published functional studies and their clinical significance is uncertain. This variant has not been reported in the literature in individuals with DDC-related conditions. This variant is present in population databases (rs764518800, ExAC 0.01%). This sequence change replaces lysine with asparagine at codon 162 of the DDC protein (p.Lys162Asn). The lysine residue is highly conserved and there is a moderate physicochemical difference between lysine and asparagine.

NM_001082971.2(DDC):c.486A>C (p.Lys162Asn)

Gene: DDC (dopa decarboxylase; minus strand). Cytogenetic location: 7p12.1.
Variant type: single nucleotide variant.
Coding change: c.486A>C on transcript NM_001082971.2 (MANE Select); coding-DNA position 486, A replaced by C.
Protein change: p.Lys162Asn; replaces lysine 162 with asparagine.
Molecular consequence: missense variant. On other transcripts: intron variant (1).
Genome position (GRCh38, 1-based): chr7:50,529,292, T>G on the plus strand (A>C on the coding strand, the complement: DDC is on the minus strand). VCF-style: chr7-50529292-T-G. GRCh37 (hg19) VCF-style: chr7-50596990-T-G.
Other names: c.372A>C, p.Lys124Asn (NM_001242886.2); c.486A>C, p.Lys162Asn (NM_001242887.2, NM_000790.4, NM_001242890.2); c.252A>C, p.Lys84Asn (NM_001242888.2); c.435+8568A>C (NM_001242889.2); short protein forms K84N, K124N, K162N.
Identifiers: ClinVar variation 1480852 (VCV001480852.8), dbSNP rs764518800, ClinGen allele CA4262354.